The following is an entry in ClinVar:

ClinVar aggregate classification (germline): Pathogenic/Likely pathogenic. Review status: criteria provided, multiple submitters, no conflicts (2 of 4 stars). 2 submissions from 2 submitters: Pathogenic (1); Likely pathogenic (1). Last evaluated 2025-10-23.

Allele frequency attached by ClinVar (database versions not stated): gnomAD exomes below 0.00001; TOPMed below 0.00001; gnomAD 0.00001.
gnomAD v4.1: 4 of 1,336,862 alleles (0.0003%); highest among the groups gnomAD compares: Admixed American, 0.0038%; no homozygotes.

Submissions (2):

Labcorp Genetics (formerly Invitae), Labcorp
Classification: Pathogenic. Last evaluated: 2025-10-23. Review status: criteria provided, single submitter. Criteria: Invitae Variant Classification Sherloc (09022015). Collection method: clinical testing. Allele origin: germline.
Comment: This sequence change creates a premature translational stop signal (p.Trp6*) in the GTPBP3 gene. It is expected to result in an absent or disrupted protein product. Loss-of-function variants in GTPBP3 are known to be pathogenic (PMID: 25434004). This variant is present in population databases (no rsID available, gnomAD 0.01%). This variant has not been reported in the literature in individuals affected with GTPBP3-related conditions. ClinVar contains an entry for this variant (Variation ID: 1405745). For these reasons, this variant has been classified as Pathogenic.

Center for Personalized Medicine, Children's Hospital Los Angeles
Classification: Likely pathogenic. Last evaluated: 2022-12-21. Review status: criteria provided, single submitter. Criteria: ACMG Guidelines, 2015. Collection method: clinical testing. Allele origin: inherited. Affected: yes.

Literature cited by the submitters: PubMed 25434004 (cited by Labcorp Genetics (formerly Invitae), Labcorp).

NM_032620.4(GTPBP3):c.17G>A (p.Trp6Ter)

Gene: GTPBP3 (GTP binding protein 3, mitochondrial; plus strand). Cytogenetic location: 19p13.11.
Variant type: single nucleotide variant.
Coding change: c.17G>A on transcript NM_032620.4 (MANE Select); coding-DNA position 17, G replaced by A.
Protein change: p.Trp6Ter; replaces tryptophan 6 with a stop codon.
Molecular consequence: nonsense. On other transcripts: intron variant (1).
Genome position (GRCh38, 1-based): chr19:17,337,628, G>A. VCF-style: chr19-17337628-G-A. GRCh37 (hg19) VCF-style: chr19-17448437-G-A.
Other names: c.17G>A (NM_133644.3); c.17G>A, p.Trp6Ter (NM_001128855.3, NM_133644.4); c.120-380G>A (NM_001195422.1); short protein forms W6*.
Identifiers: ClinVar variation 1405745 (VCV001405745.6), dbSNP rs756394857, ClinGen allele CA404730399.